The following is an entry in ClinVar:

NM_000257.4(MYH7):c.969del (p.Ile323fs)

Gene: MYH7 (myosin heavy chain 7; minus strand). Cytogenetic location: 14q11.2.
Variant type: Deletion.
Coding change: c.969del on transcript NM_000257.4 (MANE Select); coding-DNA position 969, one base deleted (T; older notation c.969delT).
Protein change: p.Ile323fs; shifts the reading frame from isoleucine 323.
Molecular consequence: frameshift variant.
Genome position (GRCh38, 1-based): chr14:23,430,590, A deleted on the plus strand (T on the coding strand, the reverse complement: MYH7 is on the minus strand); the first of 2 consecutive A bases (chr14:23,430,590-23,430,591); deleting either gives the same sequence. VCF-style (leftmost placement, unchanged base first): chr14-23430589-CA-C. GRCh37 (hg19) VCF-style: chr14-23899798-CA-C.
Other names: c.969del, p.Ile323fs (NM_001407004.1); short protein forms I323fs.
Identifiers: ClinVar variation 4758454 (VCV004758454.1).

ClinVar aggregate classification (germline): Uncertain significance (1 of 4 stars; one submission).

Conditions:
Cardiomyopathy (CMYO). Also called: Cardiomyopathies. Identifiers: Orphanet 167848, MedGen C0878544, MONDO:0004994, HP:0001638. Inheritance: Various modes of inheritance.

Submission:

Color Diagnostics, LLC DBA Color Health
Classification: Uncertain significance for Cardiomyopathy. Last evaluated: 2025-07-15. Review status: criteria provided, single submitter. Criteria: ACMG Guidelines, 2015. Collection method: clinical testing. Allele origin: germline.
Comment: This variant deletes 1 nucleotide in exon 11 of the MYH7 gene, creating a frameshift and premature translation stop signal. This variant is expected to result in an absent or non-functional protein product. To our knowledge, this variant has not been reported in individuals affected with MYH7-related disorders in the literature. This variant has not been identified in the general population by the Genome Aggregation Database (gnomAD). Clinical relevance of loss-of-function MYH7 truncation variants in autosomal dominant cardiovascular disorders is not clearly established. The available evidence is insufficient to determine the role of this variant in disease conclusively. Therefore, this variant is classified as a Variant of Uncertain Significance.